The following is an entry in ClinVar:

ClinVar aggregate classification (germline): Uncertain significance. Review status: criteria provided, multiple submitters, no conflicts (2 of 4 stars). 4 submissions from 4 submitters: Uncertain significance (3). 1 of the submissions does not count toward it. Last evaluated 2024-03-13.

Conditions:
Retinal dystrophy. Also called: Inherited retinal dystrophy. Identifiers: Orphanet 71862, MedGen C0854723, MeSH D058499, MONDO:0019118, HP:0000556.
Leber congenital amaurosis 1 (LCA1). Also called: AMAUROSIS CONGENITA OF LEBER I; Congenital absence of the rods and cones; Leber's congenital tapetoretinal degeneration; Leber's congenital tapetoretinal dysplasia; RETINAL BLINDNESS, CONGENITAL. Identifiers: Orphanet 65, MedGen C2931258, MONDO:0008764, OMIM 204000.
Cone-rod dystrophy 6 (CORD6). Also called: Cone dystrophy progressive; RETINAL CONE DYSTROPHY 2. Identifiers: Orphanet 1872, MedGen C1866293, MONDO:0011143, OMIM 601777.
Inborn genetic diseases. Identifiers: MedGen C0950123, MeSH D030342.

Submissions (4):

Blueprint Genetics
Classification: Uncertain significance. Last evaluated: 2024-03-13. Review status: criteria provided, single submitter. Criteria: ACMG Guidelines, 2015. Collection method: clinical testing. Allele origin: germline.

Ambry Genetics
Classification: Uncertain significance for Inborn genetic diseases. Last evaluated: 2024-01-30. Review status: criteria provided, single submitter. Criteria: Ambry Variant Classification Scheme 2023. Collection method: clinical testing. Allele origin: germline.

Labcorp Genetics (formerly Invitae), Labcorp
Classification: Uncertain significance for Leber congenital amaurosis 1; Cone-rod dystrophy 6. Last evaluated: 2021-09-24. Review status: criteria provided, single submitter. Criteria: Invitae Variant Classification Sherloc (09022015). Collection method: clinical testing. Allele origin: germline.
Comment: In summary, the available evidence is currently insufficient to determine the role of this variant in disease. Therefore, it has been classified as a Variant of Uncertain Significance. Algorithms developed to predict the effect of missense changes on protein structure and function (SIFT, PolyPhen-2, Align-GVGD) all suggest that this variant is likely to be disruptive. This variant has not been reported in the literature in individuals affected with GUCY2D-related conditions. This variant is not present in population databases (ExAC no frequency). This sequence change replaces arginine with histidine at codon 540 of the GUCY2D protein (p.Arg540His). The arginine residue is highly conserved and there is a small physicochemical difference between arginine and histidine.

Institute of Human Genetics, Univ. Regensburg, Univ. Regensburg
Classification: Likely pathogenic for Retinal dystrophy. Last evaluated: 2017-01-01. Review status: no assertion criteria provided. Criteria: ACMG Guidelines, 2015. Collection method: clinical testing. Allele origin: germline. Affected: yes. Not counted in ClinVar's aggregate classification.

NM_000180.4(GUCY2D):c.1619G>A (p.Arg540His)

Gene: GUCY2D (guanylate cyclase 2D, retinal; plus strand). Cytogenetic location: 17p13.1.
Variant type: single nucleotide variant.
Coding change: c.1619G>A on transcript NM_000180.4 (MANE Select); coding-DNA position 1619, G replaced by A.
Protein change: p.Arg540His; replaces arginine 540 with histidine.
Molecular consequence: missense variant.
Genome position (GRCh38, 1-based): chr17:8,007,983, G>A. VCF-style: chr17-8007983-G-A. GRCh37 (hg19) VCF-style: chr17-7911301-G-A.
Other names: c.1619G>A (NM_000180.3); short protein forms R540H.
Identifiers: ClinVar variation 1510917 (VCV001510917.7), dbSNP rs372005126, ClinGen allele CA397949752.
Genomic context (GRCh38, chr17:8,007,983, plus strand): 5'-CCTGCTAGGTGGCCCAGGGGAGTCGATCAAGTCTGGGTGCCCGCAGCATGTCAGACATTC[G>A]CAGCGGCCCCAGCCAACACTTGGACAGCCCCAACATTGGTGTCTATGAGGTGAGCCTGAC-3'
Protein context (NP_000171.1, residues 530-550): SLGARSMSDI[Arg540His]SGPSQHLDSP